The following is an entry in ClinVar:

NM_001163809.2(WDR81):c.826_827delinsT (p.Arg276fs)

Gene: WDR81 (WD repeat domain 81; plus strand). Cytogenetic location: 17p13.3.
Variant type: Indel.
Coding change: c.826_827delinsT on transcript NM_001163809.2 (MANE Select); coding-DNA positions 826 to 827, CG replaced by T.
Protein change: p.Arg276fs; shifts the reading frame from arginine 276.
Molecular consequence: frameshift variant. On other transcripts: intron variant (3).
Genome position (GRCh38, 1-based): chr17:1,725,785-1,725,786, CG replaced by T. VCF-style: chr17-1725785-CG-T. GRCh37 (hg19) VCF-style: chr17-1629079-CG-T.
Other names: c.826_827delCGinsT (NM_001163809.1); c.-123-2205_-123-2204delinsT (NM_152348.4); c.59-4595_59-4594delinsT (NM_001163673.2); c.-15+999_-15+1000delinsT (NM_001163811.2); short protein forms R276fs.
Identifiers: ClinVar variation 504293 (VCV000504293.2), dbSNP rs1555562577, ClinGen allele CA658798675.

ClinVar aggregate classification (germline): Likely pathogenic (1 of 4 stars; one submission).

Submission:

GeneDx
Classification: Likely pathogenic. Last evaluated: 2018-02-05. Review status: criteria provided, single submitter. Criteria: GeneDx Variant Classification (06012015). Collection method: clinical testing. Allele origin: germline. Affected: yes.
Comment: The c.826_827delCGinsT variant in the WDR81 gene has not been reported previously as a pathogenic variant nor as a benign variant, to our knowledge. The c.826_827delCGinsT variant causes a frameshift starting with codon Arginine 276, changes this amino acid to a Serine residue, and creates a premature Stop codon at position 28 of the new reading frame, denoted p.Arg276SerfsX28. This variant is predicted to cause loss of normal protein function either through protein truncation or nonsense-mediated mRNA decay. The c.826_827delCGinsT variant is not observed in large population cohorts (Lek et al., 2016). We interpret c.826_827delCGinsT as a likely pathogenic variant.